The following is an entry in ClinVar:

ClinVar aggregate classification (germline): Uncertain significance. Review status: criteria provided, multiple submitters, no conflicts (2 of 4 stars). 3 submissions from 3 submitters: Uncertain significance (3). Last evaluated 2024-01-11.

Conditions:
Classic or attenuated familial adenomatous polyposis. Identifiers: MedGen CN372698, MONDO:0021057.
Hereditary cancer-predisposing syndrome. Also called: Neoplastic Syndromes, Hereditary; Tumor predisposition; Hereditary Cancer Syndrome; Hereditary neoplastic syndrome. Identifiers: Orphanet 140162, MedGen C0027672, MeSH D009386, MONDO:0015356.
Familial adenomatous polyposis 1 (FAP1). Also called: FAMILIAL ADENOMATOUS POLYPOSIS 1, ATTENUATED; POLYPOSIS, ADENOMATOUS INTESTINAL. Identifiers: MedGen C2713442, MONDO:0021056, OMIM 175100. Disease mechanism: loss of function.

Submissions (3):

All of Us Research Program, National Institutes of Health
Classification: Uncertain significance for Classic or attenuated familial adenomatous polyposis. Last evaluated: 2024-01-11. Review status: criteria provided, single submitter. Criteria: ACMG Guidelines, 2015. Collection method: clinical testing. Allele origin: germline. Inheritance: Autosomal dominant inheritance. Observed: 1 variant allele, 1 heterozygote.
Comment: This study involves interpretation of variants in research participants for the purpose of population health screening. Participant phenotype was not available at the time of variant classification. Additional details can be found in publication PMID: 35346344, PMCID: PMC8962531

Ambry Genetics
Classification: Uncertain significance for Hereditary cancer-predisposing syndrome. Last evaluated: 2023-03-26. Review status: criteria provided, single submitter. Criteria: Ambry Variant Classification Scheme 2023. Collection method: clinical testing. Allele origin: germline.
Comment: The p.G2741R variant (also known as c.8221G>A), located in coding exon 15 of the APC gene, results from a G to A substitution at nucleotide position 8221. The glycine at codon 2741 is replaced by arginine, an amino acid with dissimilar properties. This amino acid position is conserved. In addition, in silico predictors for this gene do not accurately predict pathogenicity. Since supporting evidence is limited at this time, the clinical significance of this alteration remains unclear.

Labcorp Genetics (formerly Invitae), Labcorp
Classification: Uncertain significance for Familial adenomatous polyposis 1. Last evaluated: 2022-09-25. Review status: criteria provided, single submitter. Criteria: Invitae Variant Classification Sherloc (09022015). Collection method: clinical testing. Allele origin: germline.
Comment: Advanced modeling of protein sequence and biophysical properties (such as structural, functional, and spatial information, amino acid conservation, physicochemical variation, residue mobility, and thermodynamic stability) performed at Invitae indicates that this missense variant is not expected to disrupt APC protein function. ClinVar contains an entry for this variant (Variation ID: 1002032). This variant has not been reported in the literature in individuals affected with APC-related conditions. This variant is not present in population databases (gnomAD no frequency). In summary, the available evidence is currently insufficient to determine the role of this variant in disease. Therefore, it has been classified as a Variant of Uncertain Significance. This sequence change replaces glycine, which is neutral and non-polar, with arginine, which is basic and polar, at codon 2741 of the APC protein (p.Gly2741Arg).

NM_000038.6(APC):c.8221G>A (p.Gly2741Arg)

Gene: APC (APC regulator of Wnt signaling pathway; plus strand). Cytogenetic location: 5q22.2.
Variant type: single nucleotide variant.
Coding change: c.8221G>A on transcript NM_000038.6 (MANE Select); coding-DNA position 8221, G replaced by A.
Protein change: p.Gly2741Arg; replaces glycine 2741 with arginine.
Molecular consequence: missense variant.
Genome position (GRCh38, 1-based): chr5:112,843,815, G>A. VCF-style: chr5-112843815-G-A. GRCh37 (hg19) VCF-style: chr5-112179512-G-A.
Other names: c.8221G>A (NM_000038.5); c.8221G>A, p.Gly2741Arg (NM_001127510.3, NM_001354895.2); c.8167G>A, p.Gly2723Arg (NM_001127511.3); c.8275G>A, p.Gly2759Arg (NM_001354896.2); c.8251G>A, p.Gly2751Arg (NM_001354897.2); c.8146G>A, p.Gly2716Arg (NM_001354898.2); c.8137G>A, p.Gly2713Arg (NM_001354899.2); c.8098G>A, p.Gly2700Arg (NM_001354900.2); and 6 more; short protein forms G2458R, G2581R, G2615R, G2640R, G2650R, G2682R, G2700R, G2713R.
Identifiers: ClinVar variation 1002032 (VCV001002032.13), dbSNP rs1554088985, ClinGen allele CA16039176.